The following is an entry in ClinVar:

ClinVar aggregate classification (germline): Uncertain significance (1 of 4 stars; one submission).

Allele frequency attached by ClinVar (database versions not stated): gnomAD exomes below 0.00001 and 0.00001; ExAC 0.00001; gnomAD 0.00001; TOPMed 0.00001; ESP Exome Variant Server 0.00008.
gnomAD v4.1: 5 of 1,614,068 alleles (0.00031%); highest among the groups gnomAD compares: Admixed American, 0.0017%; no homozygotes.

Submission:

Labcorp Genetics (formerly Invitae), Labcorp
Classification: Uncertain significance. Last evaluated: 2020-10-24. Review status: criteria provided, single submitter. Criteria: Invitae Variant Classification Sherloc (09022015). Collection method: clinical testing. Allele origin: germline.
Comment: In summary, the available evidence is currently insufficient to determine the role of this variant in disease. Therefore, it has been classified as a Variant of Uncertain Significance. Algorithms developed to predict the effect of missense changes on protein structure and function are either unavailable or do not agree on the potential impact of this missense change (SIFT: "Deleterious"; PolyPhen-2: "Benign"; Align-GVGD: "Class C25"). This variant has not been reported in the literature in individuals with HK1-related conditions. This variant is present in population databases (rs148472311, ExAC 0.002%). This sequence change replaces arginine with cysteine at codon 441 of the HK1 protein (p.Arg441Cys). The arginine residue is highly conserved and there is a large physicochemical difference between arginine and cysteine.

NM_000188.3(HK1):c.1321C>T (p.Arg441Cys)

Gene: HK1 (hexokinase 1; plus strand). Cytogenetic location: 10q22.1.
Variant type: single nucleotide variant.
Coding change: c.1321C>T on transcript NM_000188.3 (MANE Select); coding-DNA position 1321, C replaced by T.
Protein change: p.Arg441Cys; replaces arginine 441 with cysteine.
Molecular consequence: missense variant.
Genome position (GRCh38, 1-based): chr10:69,382,542, C>T. VCF-style: chr10-69382542-C-T. GRCh37 (hg19) VCF-style: chr10-71142298-C-T.
Other names: c.1333C>T, p.Arg445Cys (NM_001322364.2, NM_001358263.1, NM_033497.3 and 1 more transcripts); c.1426C>T, p.Arg476Cys (NM_001322365.2); c.1237C>T, p.Arg413Cys (NM_001322366.1); c.1225C>T, p.Arg409Cys (NM_001322367.1); c.1318C>T, p.Arg440Cys (NM_033496.3); c.1285C>T, p.Arg429Cys (NM_033500.2); short protein forms R409C, R440C, R441C, R445C, R476C, R429C, R413C.
Identifiers: ClinVar variation 1383488 (VCV001383488.8), dbSNP rs148472311, ClinGen allele CA5532579.